The following is an entry in ClinVar:

NM_001283009.2(RTEL1):c.2823G>A (p.Glu941=)

Genes: RTEL1 (regulator of telomere elongation helicase 1; plus strand), RTEL1-TNFRSF6B (RTEL1-TNFRSF6B readthrough (NMD candidate); plus strand). Cytogenetic location: 20q13.33.
Variant type: single nucleotide variant.
Coding change: c.2823G>A on transcript NM_001283009.2 (MANE Select); coding-DNA position 2823, G replaced by A.
Protein change: p.Glu941=; no amino-acid change (glutamic acid 941 retained).
Molecular consequence: synonymous variant. On other transcripts: non-coding transcript variant (1).
Genome position (GRCh38, 1-based): chr20:63,692,975, G>A. VCF-style: chr20-63692975-G-A. GRCh37 (hg19) VCF-style: chr20-62324328-G-A.
Other names: c.2154G>A, p.Glu718= (NM_001283010.1); c.2823G>A, p.Glu941= (NM_016434.4); c.2895G>A, p.Glu965= (NM_032957.5); c.2895G>A (NM_032957.4).
Identifiers: ClinVar variation 2178150 (VCV002178150.6), dbSNP rs61736614, ClinGen allele CA9965559.

ClinVar aggregate classification (germline): Likely benign. Review status: criteria provided, multiple submitters, no conflicts (2 of 4 stars). 3 submissions from 3 submitters: Likely benign (3). Last evaluated 2025-09-10.

Conditions:
RTEL1-related disorder. Also called: RTEL1-related disorders; RTEL1-related condition.
Inborn genetic diseases. Identifiers: MedGen C0950123, MeSH D030342.
Pulmonary fibrosis and/or bone marrow failure, Telomere-related, 3. Also called: PULMONARY FIBROSIS AND/OR BONE MARROW FAILURE SYNDROME, TELOMERE-RELATED, 3. Identifiers: Orphanet 2032, MedGen C4225346, MONDO:0014613, OMIM 616373.
Dyskeratosis congenita, autosomal recessive 5 (DKCB5). Identifiers: MedGen C3554656, MONDO:0014076, OMIM 615190.

gnomAD v4.1: 27 of 1,612,596 alleles (0.0017%); highest among the groups gnomAD compares: East Asian, 0.0022%; no homozygotes.

Submissions (3):

Labcorp Genetics (formerly Invitae), Labcorp
Classification: Likely benign for Dyskeratosis congenita, autosomal recessive 5; Pulmonary fibrosis and/or bone marrow failure, Telomere-related, 3. Last evaluated: 2025-09-10. Review status: criteria provided, single submitter. Criteria: Invitae Variant Classification Sherloc (09022015). Collection method: clinical testing. Allele origin: germline.

PreventionGenetics, part of Exact Sciences
Classification: Likely benign for RTEL1-related condition. Last evaluated: 2025-02-19. Review status: criteria provided, single submitter. Criteria: ACMG Guidelines, 2015. Collection method: clinical testing. Allele origin: germline.
Comment: This variant is classified as likely benign based on ACMG/AMP sequence variant interpretation guidelines (Richards et al. 2015 PMID: 25741868, with internal and published modifications).

Ambry Genetics
Classification: Likely benign for Inborn genetic diseases. Last evaluated: 2024-12-22. Review status: criteria provided, single submitter. Criteria: Ambry Variant Classification Scheme 2023. Collection method: clinical testing. Allele origin: germline.